The following is an entry in ClinVar:

NM_006245.4(PPP2R5D):c.322+20_322+21del

Gene: PPP2R5D (protein phosphatase 2 regulatory subunit B'delta; plus strand). Cytogenetic location: 6p21.1.
Variant type: Deletion.
Coding change: c.322+20_322+21del on transcript NM_006245.4 (MANE Select); bases 20 to 21 of the intron after coding-DNA position 322, 2 bases deleted (AG; older notation c.322+20_322+21delAG).
Molecular consequence: intron variant.
Genome position (GRCh38, 1-based): chr6:43,006,699-43,006,700, AG deleted. VCF-style (leftmost placement, unchanged base first): chr6-43006698-CAG-C. GRCh37 (hg19) VCF-style: chr6-42974436-CAG-C.
Other names: c.-132+20_-132+21del (NM_001270476.2); c.249+93_249+94del (NM_180976.3); c.28-235_28-234del (NM_180977.3).
Identifiers: ClinVar variation 1512162 (VCV001512162.6), dbSNP rs1762100107, ClinGen allele CA1624304654.

ClinVar aggregate classification (germline): Uncertain significance (1 of 4 stars; one submission).

Submission:

Labcorp Genetics (formerly Invitae), Labcorp
Classification: Uncertain significance. Last evaluated: 2021-07-08. Review status: criteria provided, single submitter. Criteria: Invitae Variant Classification Sherloc (09022015). Collection method: clinical testing. Allele origin: germline.
Comment: This sequence change falls in intron 3 of the PPP2R5D gene. It does not directly change the encoded amino acid sequence of the PPP2R5D protein. This variant is not present in population databases (ExAC no frequency). This variant has been observed in individual(s) with clinical features of PPP2R5D-related conditions (Invitae). Algorithms developed to predict the effect of sequence changes on RNA splicing suggest that this variant is not likely to affect RNA splicing. In summary, the available evidence is currently insufficient to determine the role of this variant in disease. Therefore, it has been classified as a Variant of Uncertain Significance.